The following is an entry in ClinVar:

ClinVar aggregate classification (germline): Likely benign (1 of 4 stars; one submission).

gnomAD v4.1: 2 of 1,614,084 alleles (0.00012%); highest among the groups gnomAD compares: Non-Finnish European, 0.00017%; no homozygotes.

Submission:

Mayo Clinic Laboratories, Mayo Clinic
Classification: Likely benign. Last evaluated: 2025-01-14. Review status: criteria provided, single submitter. Criteria: ACMG Guidelines, 2015. Collection method: clinical testing. Allele origin: germline. Observed: 1 variant allele.
Comment: BP4, BP7

NM_001098.3(ACO2):c.1212G>A (p.Leu404=)

Gene: ACO2 (aconitase 2; plus strand). Cytogenetic location: 22q13.2.
Variant type: single nucleotide variant.
Coding change: c.1212G>A on transcript NM_001098.3 (MANE Select); coding-DNA position 1212, G replaced by A.
Protein change: p.Leu404=; no amino-acid change (leucine 404 retained).
Molecular consequence: synonymous variant.
Genome position (GRCh38, 1-based): chr22:41,522,903, G>A. VCF-style: chr22-41522903-G-A. GRCh37 (hg19) VCF-style: chr22-41918907-G-A.
Other names: p.Leu404=.
Identifiers: ClinVar variation 4684495 (VCV004684495.1).